The following is an entry in ClinVar:

NM_000094.4(COL7A1):c.6343del (p.Ala2115fs)

Gene: COL7A1 (collagen type VII alpha 1 chain; minus strand). Cytogenetic location: 3p21.31.
Variant type: Deletion.
Coding change: c.6343del on transcript NM_000094.4 (MANE Select); coding-DNA position 6343, one base deleted (G; older notation c.6343delG).
Protein change: p.Ala2115fs; shifts the reading frame from alanine 2115.
Molecular consequence: frameshift variant.
Genome position (GRCh38, 1-based): chr3:48,574,802, C deleted on the plus strand (G on the coding strand, the reverse complement: COL7A1 is on the minus strand). VCF-style (leftmost placement, unchanged base first): chr3-48574801-GC-G. GRCh37 (hg19) VCF-style: chr3-48612234-GC-G.
Other names: short protein forms A2115fs.
Identifiers: ClinVar variation 1074158 (VCV001074158.5), dbSNP rs2107670113, ClinGen allele CA2499216834.

ClinVar aggregate classification (germline): Pathogenic (1 of 4 stars; one submission).

Allele frequency attached by ClinVar (database versions not stated): gnomAD exomes below 0.00001.

Submission:

Labcorp Genetics (formerly Invitae), Labcorp
Classification: Pathogenic. Last evaluated: 2022-10-24. Review status: criteria provided, single submitter. Criteria: Invitae Variant Classification Sherloc (09022015). Collection method: clinical testing. Allele origin: germline.
Comment: ClinVar contains an entry for this variant (Variation ID: 1074158). For these reasons, this variant has been classified as Pathogenic. This sequence change creates a premature translational stop signal (p.Ala2115Leufs*91) in the COL7A1 gene. It is expected to result in an absent or disrupted protein product. Loss-of-function variants in COL7A1 are known to be pathogenic (PMID: 16971478). This variant is not present in population databases (gnomAD no frequency). This variant has not been reported in the literature in individuals affected with COL7A1-related conditions.

Literature cited by the submitters: PubMed 16971478.